The following is an entry in ClinVar:

ClinVar aggregate classification (germline): Pathogenic/Likely pathogenic. Review status: criteria provided, multiple submitters, no conflicts (2 of 4 stars). 2 submissions from 2 submitters: Pathogenic (1); Likely pathogenic (1). Last evaluated 2021-09-23.

Conditions:
EXT1-related disorders.
Multiple congenital exostosis (EXT). Also called: Multiple osteochondromas; Multiple exostoses; MULTIPLE CARTILAGINOUS EXOSTOSES; Hereditary multiple osteochondromas; Hereditary multiple exostoses; Hereditary multiple exostosis. Identifiers: Orphanet 321, MedGen C0015306, MONDO:0005508, HP:0002762.

Submissions (2):

Labcorp Genetics (formerly Invitae), Labcorp
Classification: Pathogenic for Multiple congenital exostosis. Last evaluated: 2021-09-23. Review status: criteria provided, single submitter. Criteria: Invitae Variant Classification Sherloc (09022015). Collection method: clinical testing. Allele origin: germline.
Comment: This variant has not been reported in the literature in individuals affected with EXT1-related conditions. This sequence change creates a premature translational stop signal (p.Ala594Argfs*27) in the EXT1 gene. It is expected to result in an absent or disrupted protein product. Loss-of-function variants in EXT1 are known to be pathogenic (PMID: 10679937, 11391482, 19810120). This variant is not present in population databases (ExAC no frequency). For these reasons, this variant has been classified as Pathogenic.

Blueprint Genetics
Classification: Likely pathogenic for EXT1-related disorders. Last evaluated: 2019-06-24. Review status: criteria provided, single submitter. Criteria: ACMG Guidelines, 2015. Collection method: clinical testing. Allele origin: germline. Affected: yes. Observed: 1 variant allele.

Literature cited by the submitters: PubMed 10679937 (cited by Labcorp Genetics (formerly Invitae), Labcorp); PubMed 11391482 (cited by Labcorp Genetics (formerly Invitae), Labcorp); PubMed 19810120 (cited by Labcorp Genetics (formerly Invitae), Labcorp).

NM_000127.3(EXT1):c.1779del (p.Ala594fs)

Gene: EXT1 (exostosin glycosyltransferase 1; minus strand). Cytogenetic location: 8q24.11.
Variant type: Deletion.
Coding change: c.1779del on transcript NM_000127.3 (MANE Select); coding-DNA position 1779, one base deleted (C; older notation c.1779delC).
Protein change: p.Ala594fs; shifts the reading frame from alanine 594.
Molecular consequence: frameshift variant.
Genome position (GRCh38, 1-based): chr8:117,807,321, G deleted on the plus strand (C on the coding strand, the reverse complement: EXT1 is on the minus strand); the first of 4 consecutive G bases (chr8:117,807,321-117,807,324); deleting any one gives the same sequence. VCF-style (leftmost placement, unchanged base first): chr8-117807320-CG-C. GRCh37 (hg19) VCF-style: chr8-118819559-CG-C.
Other names: short protein forms A594fs.
Identifiers: ClinVar variation 1410153 (VCV001410153.7), dbSNP rs2129701642, ClinGen allele CA2573142813.
Genomic context (GRCh38, chr8:117,807,320, plus strand): 5'-TCGTCCACTTTGATGTGTATCCCCACCGCTCCTTAGAGTTATCCCAGAAGTGGCTGCGCG[CG>C]GGGTACCCCACAATCCTCTCAGGGAAGCTCTGCCACACTGTGAAGGCGAAATCCACCTGC-3'